The following is an entry in ClinVar:

ClinVar aggregate classification (germline): Pathogenic (1 of 4 stars; one submission).

Submission:

Labcorp Genetics (formerly Invitae), Labcorp
Classification: Pathogenic. Last evaluated: 2023-04-27. Review status: criteria provided, single submitter. Criteria: Invitae Variant Classification Sherloc (09022015). Collection method: clinical testing. Allele origin: germline.
Comment: For these reasons, this variant has been classified as Pathogenic. This variant has not been reported in the literature in individuals affected with PLOD3-related conditions. This variant is not present in population databases (gnomAD no frequency). This sequence change creates a premature translational stop signal (p.Val44Glyfs*4) in the PLOD3 gene. It is expected to result in an absent or disrupted protein product. Loss-of-function variants in PLOD3 are known to be pathogenic (PMID: 30237576).

Literature cited by the submitters: PubMed 30237576.

NM_001084.5(PLOD3):c.131_132del (p.Val44fs)

Gene: PLOD3 (procollagen-lysine,2-oxoglutarate 5-dioxygenase 3; minus strand). Cytogenetic location: 7q22.1.
Variant type: Microsatellite.
Coding change: c.131_132del on transcript NM_001084.5 (MANE Select); coding-DNA positions 131 to 132, 2 bases deleted (TG; older notation c.131_132delTG).
Protein change: p.Val44fs; shifts the reading frame from valine 44.
Molecular consequence: frameshift variant.
Genome position (GRCh38, 1-based): chr7:101,216,764-101,216,765, CA deleted on the plus strand (TG on the coding strand, the reverse complement: PLOD3 is on the minus strand); deleting any 2 consecutive bases within chr7:101,216,764-101,216,767 gives the same sequence; the c. name uses the placement nearest the transcript's 3' end. VCF-style (leftmost placement, unchanged base first): chr7-101216763-CCA-C. GRCh37 (hg19) VCF-style: chr7-100860044-CCA-C.
Other names: short protein forms V44fs.
Identifiers: ClinVar variation 2859808 (VCV002859808.3), dbSNP rs2535179077, ClinGen allele CA2684214914.